The following is an entry in ClinVar:

ClinVar aggregate classification (germline): Conflicting classifications of pathogenicity. Review status: criteria provided, conflicting classifications (1 of 4 stars). 3 submissions from 3 submitters: Uncertain significance (2); Likely benign (1). Last evaluated 2026-08-01.

Conditions:
Inborn genetic diseases. Identifiers: MedGen C0950123, MeSH D030342.
Pityriasis rubra pilaris (PRP). Also called: Pityriasis rubra pilaris--familial type. Identifiers: Orphanet 2897, MedGen C0032027, MONDO:0100017, OMIM 173200, MONDO:0008251.
Psoriasis 2. Identifiers: MedGen C1864497, MONDO:0011269, OMIM 602723.

Allele frequency attached by ClinVar (database versions not stated): 1000 Genomes Project 30x 0.00141; gnomAD exomes 0.00001 and 0.00004; ExAC 0.00004; gnomAD 0.00005 and 0.00009; TOPMed 0.00005; 1000 Genomes Project 0.00120.
gnomAD v4.1: 29 of 1,614,162 alleles (0.0018%); highest among the groups gnomAD compares: Admixed American, 0.043%; 1 homozygote.

Submissions (3):

CeGaT Center for Human Genetics Tuebingen
Classification: Likely benign. Last evaluated: 2026-08-01. Review status: criteria provided, single submitter. Criteria: CeGaT Center For Human Genetics Tuebingen Variant Classification Criteria Version 2. Collection method: clinical testing. Allele origin: germline. Affected: yes. Observed: 1 variant allele.
Comment: CARD14: BP4, BS1

Labcorp Genetics (formerly Invitae), Labcorp
Classification: Uncertain significance for Pityriasis rubra pilaris; Psoriasis 2. Last evaluated: 2025-12-16. Review status: criteria provided, single submitter. Criteria: Invitae Variant Classification Sherloc (09022015). Collection method: clinical testing. Allele origin: germline.
Comment: This sequence change replaces tyrosine, which is neutral and polar, with cysteine, which is neutral and slightly polar, at codon 100 of the CARD14 protein (p.Tyr100Cys). This variant is present in population databases (rs552779505, gnomAD 0.03%). This variant has not been reported in the literature in individuals affected with CARD14-related conditions. ClinVar contains an entry for this variant (Variation ID: 458104). Invitae Evidence Modeling of protein sequence and biophysical properties (such as structural, functional, and spatial information, amino acid conservation, physicochemical variation, residue mobility, and thermodynamic stability) has been performed for this missense variant. However, the output from this modeling did not meet the statistical confidence thresholds required to predict the impact of this variant on CARD14 protein function. In summary, the available evidence is currently insufficient to determine the role of this variant in disease. Therefore, it has been classified as a Variant of Uncertain Significance.

Ambry Genetics
Classification: Uncertain significance for Inborn genetic diseases. Last evaluated: 2025-08-19. Review status: criteria provided, single submitter. Criteria: Ambry Variant Classification Scheme 2023. Collection method: clinical testing. Allele origin: germline.

NM_001366385.1(CARD14):c.299A>G (p.Tyr100Cys)

Gene: CARD14 (caspase recruitment domain family member 14; plus strand). Cytogenetic location: 17q25.3.
Variant type: single nucleotide variant.
Coding change: c.299A>G on transcript NM_001366385.1 (MANE Select); coding-DNA position 299, A replaced by G.
Protein change: p.Tyr100Cys; replaces tyrosine 100 with cysteine.
Molecular consequence: missense variant. On other transcripts: non-coding transcript variant (1).
Genome position (GRCh38, 1-based): chr17:80,182,740, A>G. VCF-style: chr17-80182740-A-G. GRCh37 (hg19) VCF-style: chr17-78156539-A-G.
Other names: c.299A>G (NM_024110.3); c.299A>G, p.Tyr100Cys (NM_024110.4, NM_001257970.1); short protein forms Y100C.
Identifiers: ClinVar variation 458104 (VCV000458104.11), dbSNP rs552779505, ClinGen allele CA8816384.
Genomic context (GRCh38, chr17:80,182,740, plus strand): 5'-GAGGGAAGAACGGGGCCATCGCCTTCCTGGAGAGCCTGAAGTTCCACAACCCTGACGTCT[A>G]CACCCTGGTCACCGGGCTGCAGCCTGATGTTGACTTCAGTAACTTTAGCGGTGAGAGCTC-3'
Protein context (NP_001353314.1, residues 90-110): ESLKFHNPDV[Tyr100Cys]TLVTGLQPDV